The following is an entry in ClinVar:

ClinVar aggregate classification (germline): Uncertain significance (1 of 4 stars; one submission).

Submission:

CeGaT Center for Human Genetics Tuebingen
Classification: Uncertain significance. Last evaluated: 2022-08-01. Review status: criteria provided, single submitter. Criteria: CeGaT Center For Human Genetics Tuebingen Variant Classification Criteria Version 2. Collection method: clinical testing. Allele origin: germline. Affected: yes. Observed: 1 variant allele.
Comment: RPS27A: PM2

NM_002954.6(RPS27A):c.352C>A (p.Arg118Ser)

Gene: RPS27A (ribosomal protein S27a; plus strand). Cytogenetic location: 2p16.1.
Variant type: single nucleotide variant.
Coding change: c.352C>A on transcript NM_002954.6 (MANE Select); coding-DNA position 352, C replaced by A.
Protein change: p.Arg118Ser; replaces arginine 118 with serine.
Molecular consequence: missense variant.
Genome position (GRCh38, 1-based): chr2:55,235,458, C>A. VCF-style: chr2-55235458-C-A. GRCh37 (hg19) VCF-style: chr2-55462594-C-A.
Other names: c.352C>A, p.Arg118Ser (NM_001135592.2, NM_001177413.1); short protein forms R118S.
Identifiers: ClinVar variation 2650944 (VCV002650944.24), dbSNP rs569250342, ClinGen allele CA346905061.
Genomic context (GRCh38, chr2:55,235,458, plus strand): 5'-TTATCTTAACAGCAGGTTTGTGCTTTTCAGGTGGATGAGAATGGCAAAATTAGTCGCCTT[C>A]GTCGAGAGTGCCCTTCTGATGAATGTGGTGCTGGGGTGTTTATGGCAAGTCACTTTGACA-3'
Protein context (NP_002945.1, residues 108-128): VDENGKISRL[Arg118Ser]RECPSDECGA